The following is an entry in ClinVar:

ClinVar aggregate classification (germline): Uncertain significance (1 of 4 stars; one submission).

Conditions:
BAG3-related disorder. Also called: BAG3-related condition.

Submission:

PreventionGenetics, part of Exact Sciences
Classification: Uncertain significance for BAG3-related condition. Last evaluated: 2023-08-31. Review status: criteria provided, single submitter. Criteria: ACMG Guidelines, 2015. Collection method: clinical testing. Allele origin: germline.
Comment: The BAG3 c.1331G>A variant is predicted to result in the amino acid substitution p.Gly444Asp. To our knowledge, this variant has not been reported in the literature or in a large population database, indicating this variant is rare. At this time, the clinical significance of this variant is uncertain due to the absence of conclusive functional and genetic evidence.

NM_004281.4(BAG3):c.1331G>A (p.Gly444Asp)

Gene: BAG3 (BAG cochaperone 3; plus strand). Cytogenetic location: 10q26.11.
Variant type: single nucleotide variant.
Coding change: c.1331G>A on transcript NM_004281.4 (MANE Select); coding-DNA position 1331, G replaced by A.
Protein change: p.Gly444Asp; replaces glycine 444 with aspartic acid.
Molecular consequence: missense variant.
Genome position (GRCh38, 1-based): chr10:119,676,885, G>A. VCF-style: chr10-119676885-G-A. GRCh37 (hg19) VCF-style: chr10-121436397-G-A.
Other names: short protein forms G444D.
Identifiers: ClinVar variation 2630792 (VCV002630792.1), dbSNP rs2494023787, ClinGen allele CA378297087.